The following is an entry in ClinVar:

NM_001080421.3(UNC13A):c.182C>T (p.Thr61Met)

Gene: UNC13A (unc-13 homolog A; minus strand). Cytogenetic location: 19p13.11.
Variant type: single nucleotide variant.
Coding change: c.182C>T on transcript NM_001080421.3 (MANE Select); coding-DNA position 182, C replaced by T.
Protein change: p.Thr61Met; replaces threonine 61 with methionine.
Molecular consequence: missense variant.
Genome position (GRCh38, 1-based): chr19:17,672,466, G>A on the plus strand (C>T on the coding strand, the complement: UNC13A is on the minus strand). VCF-style: chr19-17672466-G-A. GRCh37 (hg19) VCF-style: chr19-17783275-G-A.
Other names: p.Thr61Met; c.182C>T, p.Thr61Met (NM_001387021.1, NM_001387022.1, NM_001387023.1); c.182C>T (NM_001080421.2); short protein forms T61M.
Identifiers: ClinVar variation 2445231 (VCV002445231.14), dbSNP rs140141294, ClinGen allele CA9298863.

ClinVar aggregate classification (germline): Benign/Likely benign. Review status: criteria provided, multiple submitters, no conflicts (2 of 4 stars). 4 submissions from 4 submitters: Benign (1); Likely benign (1). 2 of the submissions do not count toward it. Last evaluated 2026-07-01.

Conditions:
UNC13A-related disorder. Also called: UNC13A-related condition.
Amyotrophic lateral sclerosis (ALS). Also called: Lou Gehrig disease; Charcot disease. Identifiers: Orphanet 803, MedGen C0002736, MONDO:0004976, HP:0007354.

Allele frequency attached by ClinVar (database versions not stated): ESP Exome Variant Server 0.00172; TOPMed 0.00230; 1000 Genomes Project 0.00260; 1000 Genomes Project 30x 0.00265; gnomAD exomes 0.00272; gnomAD 0.00294; ExAC 0.00410.
gnomAD v4.1: 4,508 of 1,613,748 alleles (0.28%); highest among the groups gnomAD compares: Middle Eastern, 0.92%; 25 homozygotes.

Submissions (4):

CeGaT Center for Human Genetics Tuebingen
Classification: Likely benign. Last evaluated: 2026-07-01. Review status: criteria provided, single submitter. Criteria: CeGaT Center For Human Genetics Tuebingen Variant Classification Criteria Version 2. Collection method: clinical testing. Allele origin: germline. Affected: yes. Observed: 7 variant alleles.
Comment: UNC13A: BS2

Mayo Clinic Laboratories, Mayo Clinic
Classification: Benign. Last evaluated: 2024-06-25. Review status: criteria provided, single submitter. Criteria: ACMG Guidelines, 2015. Collection method: clinical testing. Allele origin: germline. Observed: 4 variant alleles.
Comment: BS1, BS2

Department of Research, Sir Ganga Ram Hospital
Classification: association for Amyotrophic lateral sclerosis. Last evaluated: 2023-03-22. Review status: no assertion criteria provided. Collection method: research. Allele origin: inherited. Observed: 1 heterozygote. Not counted in ClinVar's aggregate classification.

PreventionGenetics, part of Exact Sciences
Classification: Benign for UNC13A-related condition. Last evaluated: 2022-08-01. Review status: no assertion criteria provided. Collection method: clinical testing. Allele origin: germline. Not counted in ClinVar's aggregate classification.
Comment: This variant is classified as benign based on ACMG/AMP sequence variant interpretation guidelines (Richards et al. 2015 PMID: 25741868, with internal and published modifications).

Literature cited by the submitters: PubMed 23141412 (cited by Mayo Clinic Laboratories, Mayo Clinic); PubMed 27790088 (cited by Mayo Clinic Laboratories, Mayo Clinic and Department of Research, Sir Ganga Ram Hospital).